The following is an entry in ClinVar:

NM_001348716.2(KDM6B):c.4298del (p.Tyr1432_Leu1433insTer)

Genes: KDM6B (lysine demethylase 6B; plus strand), LOC121587574 (Sharpr-MPRA regulatory region 3930; plus strand). Cytogenetic location: 17p13.1.
Variant type: Deletion.
Coding change: c.4298del on transcript NM_001348716.2 (MANE Select); coding-DNA position 4298, one base deleted (T; older notation c.4298delT).
Protein change: p.Tyr1432_Leu1433insTer.
Molecular consequence: nonsense.
Genome position (GRCh38, 1-based): chr17:7,852,166, T deleted; the last of 2 consecutive T bases (chr17:7,852,165-7,852,166); deleting either gives the same sequence. VCF-style (leftmost placement, unchanged base first): chr17-7852164-CT-C. GRCh37 (hg19) VCF-style: chr17-7755482-CT-C.
Other names: c.4298del, p.Tyr1432_Leu1433insTer (NM_001080424.2).
Identifiers: ClinVar variation 2040759 (VCV002040759.4), dbSNP rs2544534176, ClinGen allele CA2580094849.

ClinVar aggregate classification (germline): Pathogenic (1 of 4 stars; one submission).

Submission:

Labcorp Genetics (formerly Invitae), Labcorp
Classification: Pathogenic. Last evaluated: 2021-12-13. Review status: criteria provided, single submitter. Criteria: Invitae Variant Classification Sherloc (09022015). Collection method: clinical testing. Allele origin: germline.
Comment: For these reasons, this variant has been classified as Pathogenic. This variant has not been reported in the literature in individuals affected with KDM6B-related conditions. This sequence change creates a premature translational stop signal (p.Leu1433*) in the KDM6B gene. It is expected to result in an absent or disrupted protein product. Loss-of-function variants in KDM6B are known to be pathogenic (PMID: 31124279). This variant is not present in population databases (gnomAD no frequency).

Literature cited by the submitters: PubMed 31124279.